The following is an entry in ClinVar:

NM_015141.4(GPD1L):c.356C>A (p.Thr119Asn)

Gene: GPD1L (glycerol-3-phosphate dehydrogenase 1 like; plus strand). Cytogenetic location: 3p22.3.
Variant type: single nucleotide variant.
Coding change: c.356C>A on transcript NM_015141.4 (MANE Select); coding-DNA position 356, C replaced by A.
Protein change: p.Thr119Asn; replaces threonine 119 with asparagine.
Molecular consequence: missense variant.
Genome position (GRCh38, 1-based): chr3:32,138,717, C>A. VCF-style: chr3-32138717-C-A. GRCh37 (hg19) VCF-style: chr3-32180209-C-A.
Other names: short protein forms T119N.
Identifiers: ClinVar variation 1732773 (VCV001732773.3), dbSNP rs766627054, ClinGen allele CA2296609.

ClinVar aggregate classification (germline): Uncertain significance. Review status: criteria provided, multiple submitters, no conflicts (2 of 4 stars). 2 submissions from 2 submitters: Uncertain significance (2). Last evaluated 2026-02-01.

Conditions:
Brugada syndrome. Also called: Sudden Unexplained Death Syndrome; Sudden Unexplained Nocturnal Death Syndrome (SUNDS); Sudden unexplained nocturnal death syndrome; Sudden unexpected nocturnal death syndrome. Identifiers: Orphanet 130, MedGen C1142166, MONDO:0015263.
Cardiovascular phenotype. Identifiers: MedGen CN230736.

Allele frequency attached by ClinVar (database versions not stated): gnomAD exomes 0.00001; ExAC 0.00002; TOPMed 0.00002; gnomAD 0.00003.
gnomAD v4.1: 22 of 1,613,914 alleles (0.0014%); highest among the groups gnomAD compares: Non-Finnish European, 0.00034%; no homozygotes.

Submissions (2):

Labcorp Genetics (formerly Invitae), Labcorp
Classification: Uncertain significance for Brugada syndrome. Last evaluated: 2026-02-01. Review status: criteria provided, single submitter. Criteria: Invitae Variant Classification Sherloc (09022015). Collection method: clinical testing. Allele origin: germline.
Comment: This sequence change replaces threonine, which is neutral and polar, with asparagine, which is neutral and polar, at codon 119 of the GPD1L protein (p.Thr119Asn). This variant is present in population databases (rs766627054, gnomAD 0.04%). This variant has not been reported in the literature in individuals affected with GPD1L-related conditions. ClinVar contains an entry for this variant (Variation ID: 1732773). Invitae Evidence Modeling of protein sequence and biophysical properties (such as structural, functional, and spatial information, amino acid conservation, physicochemical variation, residue mobility, and thermodynamic stability) indicates that this missense variant is not expected to disrupt GPD1L protein function with a negative predictive value of 80%. In summary, the available evidence is currently insufficient to determine the role of this variant in disease. Therefore, it has been classified as a Variant of Uncertain Significance.

Ambry Genetics
Classification: Uncertain significance for Cardiovascular phenotype. Last evaluated: 2022-03-06. Review status: criteria provided, single submitter. Criteria: Ambry Variant Classification Scheme 2023. Collection method: clinical testing. Allele origin: germline.
Comment: The p.T119N variant (also known as c.356C>A), located in coding exon 3 of the GPD1L gene, results from a C to A substitution at nucleotide position 356. The threonine at codon 119 is replaced by asparagine, an amino acid with similar properties. This amino acid position is conserved. In addition, this alteration is predicted to be tolerated by in silico analysis. Since supporting evidence is limited at this time, the clinical significance of this alteration remains unclear.